The following is an entry in ClinVar:

ClinVar aggregate classification (germline): Uncertain significance (1 of 4 stars; one submission).

Submission:

GeneDx
Classification: Uncertain significance. Last evaluated: 2025-03-20. Review status: criteria provided, single submitter. Criteria: GeneDx Variant Classification Process June 2021. Collection method: clinical testing. Allele origin: germline. Affected: yes.
Comment: Not observed at significant frequency in large population cohorts (gnomAD); Nonsense variant predicted to result in protein truncation or nonsense mediated decay in a gene or region of a gene for which loss of function is not a well-established mechanism of disease; Has not been previously published as pathogenic or benign to our knowledge; Variants in candidate genes are classified as variants of uncertain significance in accordance with ACMG guidelines (Richards et al., 2015)

NM_001003699.4(RREB1):c.4222G>T (p.Glu1408Ter)

Gene: RREB1 (ras responsive element binding protein 1; plus strand). Cytogenetic location: 6p24.3.
Variant type: single nucleotide variant.
Coding change: c.4222G>T on transcript NM_001003699.4 (MANE Select); coding-DNA position 4222, G replaced by T.
Protein change: p.Glu1408Ter; replaces glutamic acid 1408 with a stop codon.
Molecular consequence: nonsense. On other transcripts: intron variant (1).
Genome position (GRCh38, 1-based): chr6:7,246,672, G>T. VCF-style: chr6-7246672-G-T. GRCh37 (hg19) VCF-style: chr6-7246905-G-T.
Other names: c.4057G>T, p.Glu1353Ter (NM_001003698.4, NM_001168344.2); c.3974-1839G>T (NM_001003700.2); short protein forms E1353*, E1408*.
Identifiers: ClinVar variation 4086496 (VCV004086496.1).